The following is an entry in ClinVar:

NM_001199138.2(NLRC4):c.2306T>C (p.Ile769Thr)

Gene: NLRC4 (NLR family CARD domain containing 4; minus strand). Cytogenetic location: 2p22.3.
Variant type: single nucleotide variant.
Coding change: c.2306T>C on transcript NM_001199138.2 (MANE Select); coding-DNA position 2306, T replaced by C.
Protein change: p.Ile769Thr; replaces isoleucine 769 with threonine.
Molecular consequence: missense variant.
Genome position (GRCh38, 1-based): chr2:32,241,077, A>G on the plus strand (T>C on the coding strand, the complement: NLRC4 is on the minus strand). VCF-style: chr2-32241077-A-G. GRCh37 (hg19) VCF-style: chr2-32466146-A-G.
Other names: c.2306T>C, p.Ile769Thr (NM_001199139.2, NM_021209.5); c.311T>C, p.Ile104Thr (NM_001302504.2); short protein forms I104T, I769T.
Identifiers: ClinVar variation 1514100 (VCV001514100.6), dbSNP rs778144161, ClinGen allele CA1601832.
Genomic context (GRCh38, chr2:32,241,077, plus strand): 5'-AGAACAGAAATCTGACCTAGTTTTATAGCATCTTCTTCATTCATCTTTATGTTATCCATT[A>G]TGAGCTTTGTAAGGTTCTTCAAGTTACCCAAGCTGTCAGTCAGACCACCTGTCAAAAGAA-3'
Protein context (NP_001186067.1, residues 759-779): LGNLKNLTKL[Ile769Thr]MDNIKMNEED

ClinVar aggregate classification (germline): Uncertain significance (1 of 4 stars; one submission).

Conditions:
Familial cold autoinflammatory syndrome 4 (FCAS4). Identifiers: Orphanet 47045, Orphanet 576349, MedGen C4015276, MONDO:0014498, OMIM 616115.
Periodic fever-infantile enterocolitis-autoinflammatory syndrome. Also called: Autoinflammation with infantile enterocolitis. Identifiers: Orphanet 436166, MedGen C4015067, MONDO:0014472, OMIM 616050.

Allele frequency attached by ClinVar (database versions not stated): gnomAD exomes 0.00001; ExAC 0.00002.
gnomAD v4.1: 10 of 1,610,874 alleles (0.00062%); highest among the groups gnomAD compares: South Asian, 0.011%; no homozygotes.

Submission:

Labcorp Genetics (formerly Invitae), Labcorp
Classification: Uncertain significance for Periodic fever-infantile enterocolitis-autoinflammatory syndrome; Familial cold autoinflammatory syndrome 4. Last evaluated: 2021-10-27. Review status: criteria provided, single submitter. Criteria: Invitae Variant Classification Sherloc (09022015). Collection method: clinical testing. Allele origin: germline.
Comment: In summary, the available evidence is currently insufficient to determine the role of this variant in disease. Therefore, it has been classified as a Variant of Uncertain Significance. Algorithms developed to predict the effect of missense changes on protein structure and function are either unavailable or do not agree on the potential impact of this missense change (SIFT: "Deleterious"; PolyPhen-2: "Benign"; Align-GVGD: "Class C0"). This variant has not been reported in the literature in individuals affected with NLRC4-related conditions. This variant is present in population databases (rs778144161, gnomAD 0.01%). This sequence change replaces isoleucine, which is neutral and non-polar, with threonine, which is neutral and polar, at codon 769 of the NLRC4 protein (p.Ile769Thr).